The following is an entry in ClinVar:

NM_006565.4(CTCF):c.562G>C (p.Asp188His)

Gene: CTCF (CCCTC-binding factor; plus strand). Cytogenetic location: 16q22.1.
Variant type: single nucleotide variant.
Coding change: c.562G>C on transcript NM_006565.4 (MANE Select); coding-DNA position 562, G replaced by C.
Protein change: p.Asp188His; replaces aspartic acid 188 with histidine.
Molecular consequence: missense variant. On other transcripts: intron variant (1).
Genome position (GRCh38, 1-based): chr16:67,611,394, G>C. VCF-style: chr16-67611394-G-C. GRCh37 (hg19) VCF-style: chr16-67645297-G-C.
Other names: c.562G>C, p.Asp188His (NM_001363916.2); c.-32-5351G>C (NM_001191022.2); short protein forms D188H.
Identifiers: ClinVar variation 3392810 (VCV003392810.1).

ClinVar aggregate classification (germline): Uncertain significance (1 of 4 stars; one submission).

Submission:

GeneDx
Classification: Uncertain significance. Last evaluated: 2024-06-26. Review status: criteria provided, single submitter. Criteria: GeneDx Variant Classification Process June 2021. Collection method: clinical testing. Allele origin: germline. Affected: yes.
Comment: Not observed at significant frequency in large population cohorts (gnomAD); In silico analysis indicates that this missense variant does not alter protein structure/function; Has not been previously published as pathogenic or benign to our knowledge